The following is an entry in ClinVar:

NM_000548.5(TSC2):c.2053C>T (p.Pro685Ser)

Gene: TSC2 (TSC complex subunit 2; plus strand). Cytogenetic location: 16p13.3.
Variant type: single nucleotide variant.
Coding change: c.2053C>T on transcript NM_000548.5 (MANE Select); coding-DNA position 2053, C replaced by T.
Protein change: p.Pro685Ser; replaces proline 685 with serine.
Molecular consequence: missense variant.
Genome position (GRCh38, 1-based): chr16:2,071,890, C>T. VCF-style: chr16-2071890-C-T. GRCh37 (hg19) VCF-style: chr16-2121891-C-T.
Other names: c.2053C>T, p.Pro685Ser (NM_001077183.3, NM_001114382.3, NM_001363528.2 and 3 more transcripts); c.1942C>T, p.Pro648Ser (NM_001318827.2); c.1906C>T, p.Pro636Ser (NM_001318829.2); c.1453C>T, p.Pro485Ser (NM_001318831.2); c.2086C>T, p.Pro696Ser (NM_001318832.2); short protein forms P648S, P485S, P636S, P696S, P685S.
Identifiers: ClinVar variation 955151 (VCV000955151.10), dbSNP rs748300709, ClinGen allele CA036069.

ClinVar aggregate classification (germline): Uncertain significance. Review status: criteria provided, multiple submitters, no conflicts (2 of 4 stars). 2 submissions from 2 submitters: Uncertain significance (2). Last evaluated 2025-05-06.

Conditions:
Tuberous sclerosis 2 (TSC2). Identifiers: Orphanet 805, MedGen C1860707, MONDO:0013199, OMIM 613254.
Hereditary cancer-predisposing syndrome. Also called: Hereditary neoplastic syndrome; Tumor predisposition; Neoplastic Syndromes, Hereditary; Hereditary Cancer Syndrome. Identifiers: Orphanet 140162, MedGen C0027672, MeSH D009386, MONDO:0015356.

Allele frequency attached by ClinVar (database versions not stated): gnomAD exomes below 0.00001; gnomAD 0.00001; TOPMed 0.00001; ExAC 0.00002.
gnomAD v4.1: 2 of 1,596,802 alleles (0.00013%); highest among the groups gnomAD compares: Non-Finnish European, 0.00017%; no homozygotes.

Submissions (2):

Labcorp Genetics (formerly Invitae), Labcorp
Classification: Uncertain significance for Tuberous sclerosis 2. Last evaluated: 2025-05-06. Review status: criteria provided, single submitter. Criteria: Invitae Variant Classification Sherloc (09022015). Collection method: clinical testing. Allele origin: germline.
Comment: This sequence change replaces proline, which is neutral and non-polar, with serine, which is neutral and polar, at codon 685 of the TSC2 protein (p.Pro685Ser). The frequency data for this variant in the population databases is considered unreliable, as metrics indicate poor data quality at this position in the gnomAD database. This variant has not been reported in the literature in individuals affected with TSC2-related conditions. ClinVar contains an entry for this variant (Variation ID: 955151). Invitae Evidence Modeling of protein sequence and biophysical properties (such as structural, functional, and spatial information, amino acid conservation, physicochemical variation, residue mobility, and thermodynamic stability) indicates that this missense variant is not expected to disrupt TSC2 protein function with a negative predictive value of 95%. In summary, the available evidence is currently insufficient to determine the role of this variant in disease. Therefore, it has been classified as a Variant of Uncertain Significance.

Ambry Genetics
Classification: Uncertain significance for Hereditary cancer-predisposing syndrome. Last evaluated: 2023-09-22. Review status: criteria provided, single submitter. Criteria: Ambry Variant Classification Scheme 2023. Collection method: clinical testing. Allele origin: germline.
Comment: The p.P685S variant (also known as c.2053C>T), located in coding exon 18 of the TSC2 gene, results from a C to T substitution at nucleotide position 2053. The proline at codon 685 is replaced by serine, an amino acid with similar properties. This amino acid position is conserved. In addition, this alteration is predicted to be deleterious by in silico analysis. Since supporting evidence is limited at this time, the clinical significance of this alteration remains unclear.